The following is an entry in ClinVar:

NM_025114.4(CEP290):c.6354A>T (p.Arg2118Ser)

Genes: CEP290 (centrosomal protein 290; minus strand), LOC129390514 (MPRA-validated peak1864 silencer; plus strand). Cytogenetic location: 12q21.32.
Variant type: single nucleotide variant.
Coding change: c.6354A>T on transcript NM_025114.4 (MANE Select); coding-DNA position 6354, A replaced by T.
Protein change: p.Arg2118Ser; replaces arginine 2118 with serine.
Molecular consequence: missense variant.
Genome position (GRCh38, 1-based): chr12:88,062,695, T>A on the plus strand (A>T on the coding strand, the complement: CEP290 is on the minus strand). VCF-style: chr12-88062695-T-A. GRCh37 (hg19) VCF-style: chr12-88456472-T-A.
Other names: short protein forms R2118S.
Identifiers: ClinVar variation 852434 (VCV000852434.6), dbSNP rs762397066, ClinGen allele CA6711521.
Genomic context (GRCh38, chr12:88,062,695, plus strand): 5'-CATTTCTGGCTTATCACTGCTGAAACCAAAACAAATGTATGGTAAATTCTCACATACCCC[T>A]CTAACATGGCCAAGTTTCCGCTGAACTTCTGCTTTTTCTTTCTTAAGAAATTCACACATT-3'
Protein context (NP_079390.3, residues 2108-2128): AEVQRKLGHV[Arg2118Ser]GSGRSGKTIP

ClinVar aggregate classification (germline): Uncertain significance. Review status: criteria provided, multiple submitters, no conflicts (2 of 4 stars). 3 submissions from 3 submitters: Uncertain significance (2). 1 of the submissions does not count toward it. Last evaluated 2022-08-16.

Conditions:
Joubert syndrome. Also called: JOUBERT-BOLTSHAUSER SYNDROME; Familial aplasia of the vermis. Identifiers: Orphanet 475, MedGen C5979921, MONDO:0018772.
Meckel-Gruber syndrome. Also called: DYSENCEPHALIA SPLANCHNOCYSTICA; GRUBER SYNDROME; Dysencephalia splachnocystica. Identifiers: Orphanet 564, MedGen C0265215, MONDO:0018921.
Nephronophthisis. Also called: Juvenile Nephronophthisis. Identifiers: Orphanet 655, MedGen C0687120, MONDO:0019005, HP:0000090.
Leber congenital amaurosis (LCA). Also called: Leber's amaurosis. Identifiers: Orphanet 65, MedGen C0339527, MeSH D057130, MONDO:0018998.

gnomAD v4.1: 52 of 1,600,306 alleles (0.0032%); highest among the groups gnomAD compares: South Asian, 0.057%; 2 homozygotes.

Submissions (3):

Labcorp Genetics (formerly Invitae), Labcorp
Classification: Uncertain significance for Joubert syndrome; Meckel-Gruber syndrome; Nephronophthisis. Last evaluated: 2022-08-16. Review status: criteria provided, single submitter. Criteria: Invitae Variant Classification Sherloc (09022015). Collection method: clinical testing. Allele origin: germline.
Comment: This sequence change replaces arginine, which is basic and polar, with serine, which is neutral and polar, at codon 2118 of the CEP290 protein (p.Arg2118Ser). This variant is present in population databases (rs762397066, gnomAD 0.05%). This variant has not been reported in the literature in individuals affected with CEP290-related conditions. ClinVar contains an entry for this variant (Variation ID: 852434). Algorithms developed to predict the effect of missense changes on protein structure and function are either unavailable or do not agree on the potential impact of this missense change (SIFT: "Tolerated"; PolyPhen-2: "Probably Damaging"; Align-GVGD: "Class C0"). Algorithms developed to predict the effect of sequence changes on RNA splicing suggest that this variant may create or strengthen a splice site. In summary, the available evidence is currently insufficient to determine the role of this variant in disease. Therefore, it has been classified as a Variant of Uncertain Significance.

Blueprint Genetics
Classification: Uncertain significance. Last evaluated: 2021-11-18. Review status: criteria provided, single submitter. Criteria: ACMG Guidelines, 2015. Collection method: clinical testing. Allele origin: germline.

Natera, Inc.
Classification: Uncertain significance for Leber congenital amaurosis. Last evaluated: 2020-03-20. Review status: no assertion criteria provided. Collection method: clinical testing. Allele origin: germline. Not counted in ClinVar's aggregate classification.